The following is an entry in ClinVar:

NM_016008.4(DYNC2LI1):c.14C>G (p.Thr5Ser)

Gene: DYNC2LI1 (dynein cytoplasmic 2 light intermediate chain 1; plus strand). Cytogenetic location: 2p21.
Variant type: single nucleotide variant.
Coding change: c.14C>G on transcript NM_016008.4 (MANE Select); coding-DNA position 14, C replaced by G.
Protein change: p.Thr5Ser; replaces threonine 5 with serine.
Molecular consequence: missense variant.
Genome position (GRCh38, 1-based): chr2:43,776,787, C>G. VCF-style: chr2-43776787-C-G. GRCh37 (hg19) VCF-style: chr2-44003926-C-G.
Other names: c.14C>G, p.Thr5Ser (NM_001193464.2, NM_001348912.2, NM_001348913.2 and 1 more transcripts); short protein forms T5S.
Identifiers: ClinVar variation 1446256 (VCV001446256.3), dbSNP rs750299666, ClinGen allele CA1635651.
Genomic context (GRCh38, chr2:43,776,787, plus strand): 5'-AATATTTGAAAGAATTCTTTTTCCCTCAATTTTGTTTTTTCTGCCTCTCATGTAGTGAAA[C>G]TCTCTGGGAAATTGCAAAAGCTGAAGTGGAAAAAAGGGGAATTAATGGAAGTGAAGGTGA-3'
Protein context (NP_057092.2, residues 1-15): MPSE[Thr5Ser]LWEIAKAEVE

ClinVar aggregate classification (germline): Uncertain significance (1 of 4 stars; one submission).

Allele frequency attached by ClinVar (database versions not stated): gnomAD 0.00003 and 0.00004; TOPMed 0.00018; gnomAD exomes 0.00022; ExAC 0.00023.
gnomAD v4.1: 70 of 1,563,062 alleles (0.0045%); highest among the groups gnomAD compares: Admixed American, 0.1%; no homozygotes.

Submission:

Labcorp Genetics (formerly Invitae), Labcorp
Classification: Uncertain significance. Last evaluated: 2022-08-22. Review status: criteria provided, single submitter. Criteria: Invitae Variant Classification Sherloc (09022015). Collection method: clinical testing. Allele origin: germline.
Comment: This sequence change replaces threonine, which is neutral and polar, with serine, which is neutral and polar, at codon 5 of the DYNC2LI1 protein (p.Thr5Ser). This variant is present in population databases (rs750299666, gnomAD 0.1%). This variant has not been reported in the literature in individuals affected with DYNC2LI1-related conditions. ClinVar contains an entry for this variant (Variation ID: 1446256). Algorithms developed to predict the effect of missense changes on protein structure and function (SIFT, PolyPhen-2, Align-GVGD) all suggest that this variant is likely to be tolerated. In summary, the available evidence is currently insufficient to determine the role of this variant in disease. Therefore, it has been classified as a Variant of Uncertain Significance.